The following is an entry in ClinVar:

NM_005422.4(TECTA):c.5111G>C (p.Cys1704Ser)

Genes: TBCEL-TECTA (TBCEL-TECTA readthrough; plus strand), TECTA (tectorin alpha; plus strand). Cytogenetic location: 11q23.3.
Variant type: single nucleotide variant.
Coding change: c.5111G>C on transcript NM_005422.4 (MANE Select); coding-DNA position 5111, G replaced by C.
Protein change: p.Cys1704Ser; replaces cysteine 1704 with serine.
Molecular consequence: missense variant.
Genome position (GRCh38, 1-based): chr11:121,162,209, G>C. VCF-style: chr11-121162209-G-C. GRCh37 (hg19) VCF-style: chr11-121032918-G-C.
Other names: c.6053G>C, p.Cys2018Ser (NM_001378761.1); short protein forms C1704S, C2018S.
Identifiers: ClinVar variation 3370831 (VCV003370831.6).

ClinVar aggregate classification (germline): Uncertain significance. Review status: criteria provided, multiple submitters, no conflicts (2 of 4 stars). 4 submissions from 4 submitters: Uncertain significance (4). Last evaluated 2025-11-06.

Conditions:
Inborn genetic diseases. Identifiers: MedGen C0950123, MeSH D030342.
TECTA-related disorder. Also called: TECTA-related condition.

gnomAD v4.1: 2 of 1,614,030 alleles (0.00012%); highest among the groups gnomAD compares: Admixed American, 0.0033%; no homozygotes.

Submissions (4):

PreventionGenetics, part of Exact Sciences
Classification: Uncertain significance for TECTA-related condition. Last evaluated: 2025-11-06. Review status: criteria provided, single submitter. Criteria: ACMG Guidelines, 2015. Collection method: clinical testing. Allele origin: germline.
Comment: The TECTA c.5111G>C variant is predicted to result in the amino acid substitution p.Cys1704Ser. To our knowledge, this variant has not been reported in the literature. This variant is reported in 0.0056% of alleles in individuals of Latino descent in gnomAD. At this time, the clinical significance of this variant is uncertain due to the absence of conclusive functional and genetic evidence.

GeneDx
Classification: Uncertain significance. Last evaluated: 2025-09-30. Review status: criteria provided, single submitter. Criteria: GeneDx Variant Classification Process June 2021. Collection method: clinical testing. Allele origin: germline. Affected: yes.
Comment: In silico analysis supports that this missense variant has a deleterious effect on protein structure/function; Has not been previously published as pathogenic or benign to our knowledge

Ambry Genetics
Classification: Uncertain significance for Inborn genetic diseases. Last evaluated: 2024-09-26. Review status: criteria provided, single submitter. Criteria: Ambry Variant Classification Scheme 2023. Collection method: clinical testing. Allele origin: germline.

Labcorp Genetics (formerly Invitae), Labcorp
Classification: Uncertain significance. Last evaluated: 2024-04-03. Review status: criteria provided, single submitter. Criteria: Invitae Variant Classification Sherloc (09022015). Collection method: clinical testing. Allele origin: germline.
Comment: This sequence change replaces cysteine, which is neutral and slightly polar, with serine, which is neutral and polar, at codon 1704 of the TECTA protein (p.Cys1704Ser). This variant is present in population databases (rs757870231, gnomAD 0.006%). This variant has not been reported in the literature in individuals affected with TECTA-related conditions. Advanced modeling of protein sequence and biophysical properties (such as structural, functional, and spatial information, amino acid conservation, physicochemical variation, residue mobility, and thermodynamic stability) has been performed at Invitae for this missense variant, however the output from this modeling did not meet the statistical confidence thresholds required to predict the impact of this variant on TECTA protein function. In summary, the available evidence is currently insufficient to determine the role of this variant in disease. Therefore, it has been classified as a Variant of Uncertain Significance.